The following is an entry in ClinVar:

ClinVar aggregate classification (germline): Uncertain significance. Review status: criteria provided, multiple submitters, no conflicts (2 of 4 stars). 2 submissions from 2 submitters: Uncertain significance (2). Last evaluated 2026-03-26.

Conditions:
Inborn genetic diseases. Identifiers: MedGen C0950123, MeSH D030342.

Submissions (2):

GeneDx
Classification: Uncertain significance. Last evaluated: 2026-03-26. Review status: criteria provided, single submitter. Criteria: GeneDx Variant Classification Process June 2021. Collection method: clinical testing. Allele origin: germline.
Comment: Not observed at significant frequency in large population cohorts (gnomAD); In silico analysis supports that this missense variant has a deleterious effect on protein structure/function; Has not been previously published as pathogenic or benign to our knowledge

Ambry Genetics
Classification: Uncertain significance for Inborn genetic diseases. Last evaluated: 2021-11-18. Review status: criteria provided, single submitter. Criteria: Ambry Variant Classification Scheme 2023. Collection method: clinical testing. Allele origin: germline.
Comment: The c.1943A>T (p.D648V) alteration is located in exon 18 (coding exon 18) of the BRWD3 gene. This alteration results from an A to T substitution at nucleotide position 1943, causing the aspartic acid (D) at amino acid position 648 to be replaced by a valine (V). This variant was not reported in population-based cohorts in the Genome Aggregation Database (gnomAD). This amino acid position is highly conserved in available vertebrate species. This alteration is predicted to be deleterious by in silico analysis. Based on insufficient or conflicting evidence, the clinical significance of this alteration remains unclear.

NM_153252.5(BRWD3):c.1943A>T (p.Asp648Val)

Gene: BRWD3 (bromodomain and WD repeat domain containing 3; minus strand). Cytogenetic location: Xq21.1.
Variant type: single nucleotide variant.
Coding change: c.1943A>T on transcript NM_153252.5 (MANE Select); coding-DNA position 1943, A replaced by T.
Protein change: p.Asp648Val; replaces aspartic acid 648 with valine.
Molecular consequence: missense variant.
Genome position (GRCh38, 1-based): chrX:80,719,590, T>A on the plus strand (A>T on the coding strand, the complement: BRWD3 is on the minus strand). VCF-style: chrX-80719590-T-A. GRCh37 (hg19) VCF-style: chrX-79975089-T-A.
Other names: short protein forms D648V.
Identifiers: ClinVar variation 2255235 (VCV002255235.3), dbSNP rs1306722788, ClinGen allele CA413633986.